The following is an entry in ClinVar:

ClinVar aggregate classification (germline): Likely benign (0 of 4 stars; one submission).

Conditions:
KAT2B-related disorder. Also called: KAT2B-related condition.

Allele frequency attached by ClinVar (database versions not stated): gnomAD exomes 0.00004; ExAC 0.00012; 1000 Genomes Project 0.00020; 1000 Genomes Project 30x 0.00031; gnomAD 0.00041; TOPMed 0.00045; ESP Exome Variant Server 0.00077.
gnomAD v4.1: 117 of 1,611,356 alleles (0.0073%); highest among the groups gnomAD compares: African/African-American, 0.14%; no homozygotes.

Submission:

PreventionGenetics, part of Exact Sciences
Classification: Likely benign for KAT2B-related condition. Last evaluated: 2022-07-08. Review status: no assertion criteria provided. Collection method: clinical testing. Allele origin: germline.
Comment: This variant is classified as likely benign based on ACMG/AMP sequence variant interpretation guidelines (Richards et al. 2015 PMID: 25741868, with internal and published modifications).

NM_003884.5(KAT2B):c.1797G>A (p.Lys599=)

Gene: KAT2B (lysine acetyltransferase 2B; plus strand). Cytogenetic location: 3p24.3.
Variant type: single nucleotide variant.
Coding change: c.1797G>A on transcript NM_003884.5 (MANE Select); coding-DNA position 1797, G replaced by A.
Protein change: p.Lys599=; no amino-acid change (lysine 599 retained).
Molecular consequence: synonymous variant.
Genome position (GRCh38, 1-based): chr3:20,136,989, G>A. VCF-style: chr3-20136989-G-A. GRCh37 (hg19) VCF-style: chr3-20178481-G-A.
Identifiers: ClinVar variation 3045525 (VCV003045525.2), dbSNP rs141010149, ClinGen allele CA2284721.